The following is an entry in ClinVar:

ClinVar aggregate classification (germline): Uncertain significance (1 of 4 stars; one submission).

Allele frequency attached by ClinVar (database versions not stated): ExAC 0.00010; gnomAD 0.00014; ESP Exome Variant Server 0.00015; 1000 Genomes Project 30x 0.00016; TOPMed 0.00018; 1000 Genomes Project 0.00020; gnomAD exomes 0.00030.
gnomAD v4.1: 467 of 1,613,604 alleles (0.029%); highest among the groups gnomAD compares: Non-Finnish European, 0.036%; no homozygotes.

Submission:

Labcorp Genetics (formerly Invitae), Labcorp
Classification: Uncertain significance. Last evaluated: 2022-07-16. Review status: criteria provided, single submitter. Criteria: Invitae Variant Classification Sherloc (09022015). Collection method: clinical testing. Allele origin: germline.
Comment: This sequence change affects codon 121 of the NCKAP1L mRNA. It is a 'silent' change, meaning that it does not change the encoded amino acid sequence of the NCKAP1L protein. It affects a nucleotide within the consensus splice site. This variant is present in population databases (rs199795735, gnomAD 0.02%). This variant has not been reported in the literature in individuals affected with NCKAP1L-related conditions. Algorithms developed to predict the effect of sequence changes on RNA splicing suggest that this variant is not likely to affect RNA splicing. In summary, the available evidence is currently insufficient to determine the role of this variant in disease. Therefore, it has been classified as a Variant of Uncertain Significance.

NM_005337.5(NCKAP1L):c.363C>T (p.Ile121=)

Gene: NCKAP1L (NCK associated protein 1 like; plus strand). Cytogenetic location: 12q13.2.
Variant type: single nucleotide variant.
Coding change: c.363C>T on transcript NM_005337.5 (MANE Select); coding-DNA position 363, C replaced by T.
Protein change: p.Ile121=; no amino-acid change (isoleucine 121 retained).
Molecular consequence: synonymous variant.
Genome position (GRCh38, 1-based): chr12:54,507,909, C>T. VCF-style: chr12-54507909-C-T. GRCh37 (hg19) VCF-style: chr12-54901693-C-T.
Other names: c.213C>T, p.Ile71= (NM_001184976.2).
Identifiers: ClinVar variation 2061046 (VCV002061046.1), dbSNP rs199795735, ClinGen allele CA6608796.